The following is an entry in ClinVar:

ClinVar aggregate classification (germline): Benign/Likely benign. Review status: criteria provided, multiple submitters, no conflicts (2 of 4 stars). 5 submissions from 5 submitters: Benign (1); Likely benign (3). 1 of the submissions does not count toward it. Last evaluated 2026-05-01.

Conditions:
LARS2-related disorder. Also called: LARS2-related condition.

Allele frequency attached by ClinVar (database versions not stated): gnomAD 0.00002 and 0.00003; gnomAD exomes 0.00007 and 0.00037; TOPMed 0.00014; ExAC 0.00035; 1000 Genomes Project 0.00040; 1000 Genomes Project 30x 0.00047.
gnomAD v4.1: 101 of 1,613,926 alleles (0.0063%); highest among the groups gnomAD compares: Admixed American, 0.16%; no homozygotes.

Submissions (5):

CeGaT Center for Human Genetics Tuebingen
Classification: Likely benign. Last evaluated: 2026-05-01. Review status: criteria provided, single submitter. Criteria: CeGaT Center For Human Genetics Tuebingen Variant Classification Criteria Version 2. Collection method: clinical testing. Allele origin: germline. Affected: yes. Observed: 3 variant alleles.
Comment: LARS2: BP4, BP7

Labcorp Genetics (formerly Invitae), Labcorp
Classification: Benign. Last evaluated: 2026-01-17. Review status: criteria provided, single submitter. Criteria: Invitae Variant Classification Sherloc (09022015). Collection method: clinical testing. Allele origin: germline.

Blueprint Genetics
Classification: Likely benign. Last evaluated: 2023-09-14. Review status: criteria provided, single submitter. Criteria: ACMG Guidelines, 2015. Collection method: clinical testing. Allele origin: germline.

GeneDx
Classification: Likely benign. Last evaluated: 2020-03-25. Review status: criteria provided, single submitter. Criteria: GeneDx Variant Classification Process June 2021. Collection method: clinical testing. Allele origin: germline. Affected: yes.

PreventionGenetics, part of Exact Sciences
Classification: Likely benign for LARS2-related condition. Last evaluated: 2020-10-12. Review status: no assertion criteria provided. Collection method: clinical testing. Allele origin: germline. Not counted in ClinVar's aggregate classification.
Comment: This variant is classified as likely benign based on ACMG/AMP sequence variant interpretation guidelines (Richards et al. 2015 PMID: 25741868, with internal and published modifications).

NM_015340.4(LARS2):c.1197A>G (p.Glu399=)

Genes: LARS2 (leucyl-tRNA synthetase 2, mitochondrial; plus strand), LARS2-AS1 (LARS2 antisense RNA 1; minus strand). Cytogenetic location: 3p21.31.
Variant type: single nucleotide variant.
Coding change: c.1197A>G on transcript NM_015340.4 (MANE Select); coding-DNA position 1197, A replaced by G.
Protein change: p.Glu399=; no amino-acid change (glutamic acid 399 retained).
Molecular consequence: synonymous variant.
Genome position (GRCh38, 1-based): chr3:45,488,770, A>G. VCF-style: chr3-45488770-A-G. GRCh37 (hg19) VCF-style: chr3-45530262-A-G.
Other names: c.1197A>G, p.Glu399= (NM_001368263.1).
Identifiers: ClinVar variation 726572 (VCV000726572.17), dbSNP rs187209664, ClinGen allele CA2349539.